The following is an entry in ClinVar:

NM_032638.5(GATA2):c.214T>C (p.Tyr72His)

Gene: GATA2 (GATA binding protein 2; minus strand). Cytogenetic location: 3q21.3.
Variant type: single nucleotide variant.
Coding change: c.214T>C on transcript NM_032638.5 (MANE Select); coding-DNA position 214, T replaced by C.
Protein change: p.Tyr72His; replaces tyrosine 72 with histidine.
Molecular consequence: missense variant.
Genome position (GRCh38, 1-based): chr3:128,486,818, A>G on the plus strand (T>C on the coding strand, the complement: GATA2 is on the minus strand). VCF-style: chr3-128486818-A-G. GRCh37 (hg19) VCF-style: chr3-128205661-A-G.
Other names: c.214T>C, p.Tyr72His (NM_001145661.2, NM_001145662.1); short protein forms Y72H.
Identifiers: ClinVar variation 4262109 (VCV004262109.1).

ClinVar aggregate classification (germline): Uncertain significance (1 of 4 stars; one submission).

Conditions:
Inborn genetic diseases. Identifiers: MedGen C0950123, MeSH D030342.

gnomAD v4.1: 1 of 1,607,576 alleles (0.000062%); highest among the groups gnomAD compares: South Asian, 0.0011%; no homozygotes.

Submission:

Ambry Genetics
Classification: Uncertain significance for Inborn genetic diseases. Last evaluated: 2025-06-22. Review status: criteria provided, single submitter. Criteria: Ambry Variant Classification Scheme 2023. Collection method: clinical testing. Allele origin: germline.
Comment: The p.Y72H variant (also known as c.214T>C), located in coding exon 1 of the GATA2 gene, results from a T to C substitution at nucleotide position 214. The tyrosine at codon 72 is replaced by histidine, an amino acid with similar properties. This amino acid position is conserved. In addition, this alteration is predicted to be deleterious by in silico analysis. Based on the available evidence, the clinical significance of this variant remains unclear.